The following is an entry in ClinVar:

NC_000016.9:g.(?_47495262)_(47644851_?)del

Gene: PHKB (phosphorylase kinase regulatory subunit beta; plus strand). Cytogenetic location: 16q12.1.
Variant type: Deletion.
Identifiers: ClinVar variation 1433722 (VCV001433722.5).

ClinVar aggregate classification (germline): Pathogenic (1 of 4 stars; one submission).

Conditions:
Glycogen storage disease IXb (GSD9B). Also called: PHOSPHORYLASE KINASE DEFICIENCY OF LIVER AND MUSCLE, AUTOSOMAL RECESSIVE; GLYCOGENOSIS OF LIVER AND MUSCLE, AUTOSOMAL RECESSIVE; GSD IXb. Identifiers: Orphanet 79240, MedGen C0543514, MONDO:0009868, OMIM 261750.

Submission:

Labcorp Genetics (formerly Invitae), Labcorp
Classification: Pathogenic for Glycogen storage disease IXb. Last evaluated: 2023-11-21. Review status: criteria provided, single submitter. Criteria: Invitae Variant Classification Sherloc (09022015). Collection method: clinical testing. Allele origin: germline.
Comment: This variant is a gross deletion of the genomic region encompassing exon(s) 1-14 of the PHKB gene, which includes the initiator codon. This deletion extends beyond the assayed region for this gene and therefore may encompass additional genes. It is expected to result in an absent or disrupted protein product. Loss-of-function variants in PHKB are known to be pathogenic (PMID: 9215682, 9326319). This variant has not been reported in the literature in individuals affected with PHKB-related conditions. For these reasons, this variant has been classified as Pathogenic.

Literature cited by the submitters: PubMed 9215682; PubMed 9326319.